The following is an entry in ClinVar:

NM_001009944.3(PKD1):c.11626_11653del (p.Ala3876fs)

Genes: PKD1 (polycystin 1, transient receptor potential channel interacting; minus strand), PKD1-AS1 (PKD1 antisense RNA 1; plus strand). Cytogenetic location: 16p13.3.
Variant type: Deletion.
Coding change: c.11626_11653del on transcript NM_001009944.3 (MANE Select); coding-DNA positions 11626 to 11653, 28 bases deleted (GCCGGCCGCGCCCTGGCCGCCCTCAGCG).
Protein change: p.Ala3876fs; shifts the reading frame from alanine 3876.
Molecular consequence: frameshift variant. On other transcripts: non-coding transcript variant (1).
Genome position (GRCh38, 1-based): chr16:2,091,482-2,091,509, CGCTGAGGGCGGCCAGGGCGCGGCCGGC deleted on the plus strand (GCCGGCCGCGCCCTGGCCGCCCTCAGCG on the coding strand, the reverse complement: PKD1 is on the minus strand); deleting any 28 consecutive bases within chr16:2,091,482-2,091,512 gives the same sequence; the c. name uses the placement nearest the transcript's 3' end. VCF-style (leftmost placement, unchanged base first): chr16-2091481-ACGCTGAGGGCGGCCAGGGCGCGGCCGGC-A. GRCh37 (hg19) VCF-style: chr16-2141482-ACGCTGAGGGCGGCCAGGGCGCGGCCGGC-A.
Other names: c.11623_11650del, p.Ala3875fs (NM_000296.4); short protein forms A3875fs, A3876fs.
Identifiers: ClinVar variation 3213430 (VCV003213430.1), dbSNP rs2544614209, ClinGen allele CA2825002351.
Genomic context (GRCh38, chr16:2,091,481, plus strand): 5'-ACCGAGGTGAGCAGAGGCAGCGAGAGGCCCGCGCTGAGGCGGCGCAGCGCAAAGGGGCGG[ACGCTGAGGGCGGCCAGGGCGCGGCCGGC>A]CGCCGGGAACTCGAGGCGCAGCGTGACGGCGGCGTGCAGCCCCACGGCCGGGCTGTAGCG-3'

ClinVar aggregate classification (germline): Pathogenic (1 of 4 stars; one submission).

Conditions:
Inborn genetic diseases. Identifiers: MedGen C0950123, MeSH D030342.

Submission:

Ambry Genetics
Classification: Pathogenic for Inborn genetic diseases. Last evaluated: 2024-01-03. Review status: criteria provided, single submitter. Criteria: Ambry Variant Classification Scheme 2023. Collection method: clinical testing. Allele origin: germline.
Comment: The c.11623_11650del28 (p.A3875Sfs*60) alteration, located in exon 42 (coding exon 42) of the PKD1 gene, consists of a deletion of 28 nucleotides from position 11623 to 11650, causing a translational frameshift with a predicted alternate stop codon after 60 amino acids. This alteration is expected to result in loss of function by premature protein truncation or nonsense-mediated mRNA decay. This variant was not reported in population-based cohorts in the Genome Aggregation Database (gnomAD). Based on the available evidence, this alteration is classified as pathogenic.